The following is an entry in ClinVar:

ClinVar aggregate classification (germline): Uncertain significance (1 of 4 stars; one submission).

Allele frequency attached by ClinVar (database versions not stated): gnomAD exomes below 0.00001; TOPMed 0.00001.

Submission:

Labcorp Genetics (formerly Invitae), Labcorp
Classification: Uncertain significance. Last evaluated: 2022-09-23. Review status: criteria provided, single submitter. Criteria: Invitae Variant Classification Sherloc (09022015). Collection method: clinical testing. Allele origin: germline.
Comment: In summary, the available evidence is currently insufficient to determine the role of this variant in disease. Therefore, it has been classified as a Variant of Uncertain Significance. Algorithms developed to predict the effect of missense changes on protein structure and function are either unavailable or do not agree on the potential impact of this missense change (SIFT: "Deleterious"; PolyPhen-2: "Possibly Damaging"; Align-GVGD: "Class C0"). This variant has not been reported in the literature in individuals affected with CPOX-related conditions. This variant is not present in population databases (gnomAD no frequency). This sequence change replaces glycine, which is neutral and non-polar, with aspartic acid, which is acidic and polar, at codon 234 of the CPOX protein (p.Gly234Asp).

NM_000097.7(CPOX):c.701G>A (p.Gly234Asp)

Gene: CPOX (coproporphyrinogen oxidase; minus strand). Cytogenetic location: 3q11.2.
Variant type: single nucleotide variant.
Coding change: c.701G>A on transcript NM_000097.7 (MANE Select); coding-DNA position 701, G replaced by A.
Protein change: p.Gly234Asp; replaces glycine 234 with aspartic acid.
Molecular consequence: missense variant.
Genome position (GRCh38, 1-based): chr3:98,590,742, C>T on the plus strand (G>A on the coding strand, the complement: CPOX is on the minus strand). VCF-style: chr3-98590742-C-T. GRCh37 (hg19) VCF-style: chr3-98309586-C-T.
Other names: short protein forms G234D.
Identifiers: ClinVar variation 1966239 (VCV001966239.5), dbSNP rs1189647898, ClinGen allele CA353645875.